The following is an entry in ClinVar:

NM_014516.4(CNOT3):c.729C>A (p.Pro243=)

Gene: CNOT3 (CCR4-NOT transcription complex subunit 3; plus strand). Cytogenetic location: 19q13.42.
Variant type: single nucleotide variant.
Coding change: c.729C>A on transcript NM_014516.4 (MANE Select); coding-DNA position 729, C replaced by A.
Protein change: p.Pro243=; no amino-acid change (proline 243 retained).
Molecular consequence: synonymous variant.
Genome position (GRCh38, 1-based): chr19:54,145,935, C>A. VCF-style: chr19-54145935-C-A. GRCh37 (hg19) VCF-style: chr19-54649671-T-A.
Identifiers: ClinVar variation 3700463 (VCV003700463.2).

ClinVar aggregate classification (germline): Uncertain significance (1 of 4 stars; one submission).

gnomAD v4.1: 70 of 1,613,940 alleles (0.0043%); highest among the groups gnomAD compares: East Asian, 0.0067%; no homozygotes.

Submission:

Labcorp Genetics (formerly Invitae), Labcorp
Classification: Uncertain significance. Last evaluated: 2025-02-13. Review status: criteria provided, single submitter. Criteria: Invitae Variant Classification Sherloc (09022015). Collection method: clinical testing. Allele origin: germline.
Comment: This sequence change affects codon 243 of the CNOT3 mRNA. It is a 'silent' change, meaning that it does not change the encoded amino acid sequence of the CNOT3 protein. This variant is present in population databases (rs36665, gnomAD 0.008%). This variant has not been reported in the literature in individuals affected with CNOT3-related conditions. Experimental studies and prediction algorithms are not available or were not evaluated, and the effect of this variant on mRNA splicing is currently unknown. In summary, the available evidence is currently insufficient to determine the role of this variant in disease. Therefore, it has been classified as a Variant of Uncertain Significance.